The following is an entry in ClinVar:

NM_006885.4(ZFHX3):c.4952C>T (p.Thr1651Met)

Genes: ZFHX3 (zinc finger homeobox 3; minus strand), ZFHX3-AS1 (ZFHX3 antisense RNA 1; plus strand). Cytogenetic location: 16q22.2.
Variant type: single nucleotide variant.
Coding change: c.4952C>T on transcript NM_006885.4 (MANE Select); coding-DNA position 4952, C replaced by T.
Protein change: p.Thr1651Met; replaces threonine 1651 with methionine.
Molecular consequence: missense variant.
Genome position (GRCh38, 1-based): chr16:72,797,730, G>A on the plus strand (C>T on the coding strand, the complement: ZFHX3 is on the minus strand). VCF-style: chr16-72797730-G-A. GRCh37 (hg19) VCF-style: chr16-72831629-G-A.
Other names: c.4952C>T (NM_006885.3); c.2210C>T, p.Thr737Met (NM_001164766.2); short protein forms T1651M, T737M.
Identifiers: ClinVar variation 808088 (VCV000808088.43), dbSNP rs117283459, ClinGen allele CA8163708.

ClinVar aggregate classification (germline): Benign/Likely benign. Review status: criteria provided, multiple submitters, no conflicts (2 of 4 stars). 2 submissions from 2 submitters: Benign (1); Likely benign (1). Last evaluated 2025-12-03.

Conditions:
ZFHX3-related disorder. Also called: ZFHX3-related condition.

Allele frequency attached by ClinVar (database versions not stated): gnomAD 0.00091; gnomAD exomes 0.00091 and 0.00105; 1000 Genomes Project 30x 0.00094; TOPMed 0.00097; ESP Exome Variant Server 0.00115; 1000 Genomes Project 0.00100; ExAC 0.00104.
gnomAD v4.1: 1,669 of 1,614,152 alleles (0.1%); highest among the groups gnomAD compares: Non-Finnish European, 0.13%; 2 homozygotes.

Submissions (2):

PreventionGenetics, part of Exact Sciences
Classification: Likely benign for ZFHX3-related condition. Last evaluated: 2025-12-03. Review status: criteria provided, single submitter. Criteria: ACMG Guidelines, 2015. Collection method: clinical testing. Allele origin: germline.
Comment: This variant is classified as likely benign based on ACMG/AMP sequence variant interpretation guidelines (Richards et al. 2015 PMID: 25741868, with internal and published modifications).

CeGaT Center for Human Genetics Tuebingen
Classification: Benign. Last evaluated: 2023-11-01. Review status: criteria provided, single submitter. Criteria: CeGaT Center For Human Genetics Tuebingen Variant Classification Criteria Version 2. Collection method: clinical testing. Allele origin: germline. Affected: yes. Observed: 3 variant alleles.
Comment: ZFHX3: BP4, BS1, BS2